The following is an entry in ClinVar:

NM_033028.5(BBS4):c.659A>T (p.Lys220Met)

Gene: BBS4 (Bardet-Biedl syndrome 4; plus strand). Cytogenetic location: 15q24.1.
Variant type: single nucleotide variant.
Coding change: c.659A>T on transcript NM_033028.5 (MANE Select); coding-DNA position 659, A replaced by T.
Protein change: p.Lys220Met; replaces lysine 220 with methionine.
Molecular consequence: missense variant. On other transcripts: non-coding transcript variant (2), intron variant (1).
Genome position (GRCh38, 1-based): chr15:72,729,632, A>T. VCF-style: chr15-72729632-A-T. GRCh37 (hg19) VCF-style: chr15-73021973-A-T.
Other names: c.143A>T, p.Lys48Met (NM_001252678.2); c.642+1638A>T (NM_001320665.2); short protein forms K48M, K220M.
Identifiers: ClinVar variation 4990920 (VCV004990920.1).

ClinVar aggregate classification (germline): Uncertain significance (1 of 4 stars; one submission).

Conditions:
BBS4-related disorder. Also called: BBS4-related condition.

Submission:

PreventionGenetics, part of Exact Sciences
Classification: Uncertain significance for BBS4-related condition. Last evaluated: 2025-09-18. Review status: criteria provided, single submitter. Criteria: ACMG Guidelines, 2015. Collection method: clinical testing. Allele origin: germline.
Comment: The BBS4 c.659A>T variant is predicted to result in the amino acid substitution p.Lys220Met. To our knowledge, this variant has not been reported in the literature or in a large population database (gnomAD), indicating this variant is rare. At this time, the clinical significance of this variant is uncertain due to the absence of conclusive functional and genetic evidence.